The following is an entry in ClinVar:

NM_004369.4(COL6A3):c.8465-7dup

Gene: COL6A3 (collagen type VI alpha 3 chain; minus strand). Cytogenetic location: 2q37.3.
Variant type: Duplication.
Coding change: c.8465-7dup on transcript NM_004369.4 (MANE Select); 7 bases into the intron before coding-DNA position 8465, one base duplicated (T; older notation c.8465-7dupT).
Molecular consequence: intron variant.
Genome position (GRCh38, 1-based): chr2:237,339,124, A duplicated on the plus strand (T on the coding strand, the reverse complement: COL6A3 is on the minus strand); the first of 8 consecutive A bases (chr2:237,339,124-237,339,131); duplicating any one gives the same sequence. VCF-style (leftmost placement, unchanged base first): chr2-237339123-G-GA. GRCh37 (hg19) VCF-style: chr2-238247766-G-GA.
Other names: c.8465-7dupT (NM_004369.3); c.6644-7dup (NM_057166.5); c.7847-7dup (NM_057167.4).
Identifiers: ClinVar variation 259315 (VCV000259315.22), dbSNP rs111494366, ClinGen allele CA2187522.

ClinVar aggregate classification (germline): Benign/Likely benign. Review status: criteria provided, multiple submitters, no conflicts (2 of 4 stars). 5 submissions from 5 submitters: Benign (1); Likely benign (4). Last evaluated 2026-08-01.

Conditions:
Bethlem myopathy 1A. Also called: Bethlem Muscular Dystrophy; MYOPATHY, BENIGN CONGENITAL, WITH CONTRACTURES; Bethlem myopathy 1. Identifiers: Orphanet 610, MedGen CN029274, MONDO:0024530, OMIM 158810.

Submissions (5):

CeGaT Center for Human Genetics Tuebingen
Classification: Likely benign. Last evaluated: 2026-08-01. Review status: criteria provided, single submitter. Criteria: CeGaT Center For Human Genetics Tuebingen Variant Classification Criteria Version 2. Collection method: clinical testing. Allele origin: germline. Affected: yes. Observed: 1 variant allele.
Comment: COL6A3: BP4

Labcorp Genetics (formerly Invitae), Labcorp
Classification: Benign for Bethlem myopathy 1A. Last evaluated: 2026-01-04. Review status: criteria provided, single submitter. Criteria: Invitae Variant Classification Sherloc (09022015). Collection method: clinical testing. Allele origin: germline.

GeneDx
Classification: Likely benign. Last evaluated: 2023-09-12. Review status: criteria provided, single submitter. Criteria: GeneDx Variant Classification Process June 2021. Collection method: clinical testing. Allele origin: germline. Affected: yes.
Comment: See Variant Classification Assertion Criteria.

Eurofins Ntd Llc (ga)
Classification: Likely benign. Last evaluated: 2015-09-15. Review status: criteria provided, single submitter. Criteria: EGL Classification Definitions. Collection method: clinical testing. Allele origin: germline. Observed: 1 variant allele.

PreventionGenetics, part of Exact Sciences
Classification: Likely benign. Review status: criteria provided, single submitter. Criteria: ACMG Guidelines, 2015. Collection method: clinical testing. Allele origin: germline.